The following is an entry in ClinVar:

ClinVar aggregate classification (germline): Uncertain significance (1 of 4 stars; one submission).

Conditions:
Hereditary cancer-predisposing syndrome. Also called: Neoplastic Syndromes, Hereditary; Tumor predisposition; Hereditary Cancer Syndrome; Hereditary neoplastic syndrome. Identifiers: Orphanet 140162, MedGen C0027672, MeSH D009386, MONDO:0015356.

Submission:

Ambry Genetics
Classification: Uncertain significance for Hereditary cancer-predisposing syndrome. Last evaluated: 2021-09-29. Review status: criteria provided, single submitter. Criteria: Ambry Variant Classification Scheme 2023. Collection method: clinical testing. Allele origin: germline.
Comment: The p.S293R variant (also known as c.879T>G), located in coding exon 8 of the APC gene, results from a T to G substitution at nucleotide position 879. The serine at codon 293 is replaced by arginine, an amino acid with dissimilar properties. This amino acid position is highly conserved in available vertebrate species. In addition, in silico predictors for this gene do not accurately predict pathogenicity. Since supporting evidence is limited at this time, the clinical significance of this alteration remains unclear.

NM_000038.6(APC):c.879T>G (p.Ser293Arg)

Gene: APC (APC regulator of Wnt signaling pathway; plus strand). Cytogenetic location: 5q22.2.
Variant type: single nucleotide variant.
Coding change: c.879T>G on transcript NM_000038.6 (MANE Select); coding-DNA position 879, T replaced by G.
Protein change: p.Ser293Arg; replaces serine 293 with arginine.
Molecular consequence: missense variant.
Genome position (GRCh38, 1-based): chr5:112,815,539, T>G. VCF-style: chr5-112815539-T-G. GRCh37 (hg19) VCF-style: chr5-112151236-T-G.
Other names: c.879T>G, p.Ser293Arg (NM_001127510.3, NM_001354895.2, NM_001354896.2 and 12 more transcripts); c.825T>G, p.Ser275Arg (NM_001127511.3); c.909T>G, p.Ser303Arg (NM_001354897.2, NM_001354902.2, NM_001407446.1); c.804T>G, p.Ser268Arg (NM_001354898.2, NM_001354904.2, NM_001407451.1); c.795T>G, p.Ser265Arg (NM_001354899.2, NM_001407452.1, NM_001407467.1 and 1 more transcripts); c.702T>G, p.Ser234Arg (NM_001354900.2, NM_001354901.2, NM_001354905.2 and 1 more transcripts); c.30T>G, p.Ser10Arg (NM_001354906.2, NM_001407470.1, NM_001407471.1 and 1 more transcripts); short protein forms S10R, S303R, S234R, S275R, S265R, S268R, S293R.
Identifiers: ClinVar variation 1764696 (VCV001764696.2), dbSNP rs2149763187, ClinGen allele CA16023241.